The following is an entry in ClinVar:

NM_000557.5(GDF5):c.276T>A (p.Asp92Glu)

Gene: GDF5 (growth differentiation factor 5; minus strand). Cytogenetic location: 20q11.22.
Variant type: single nucleotide variant.
Coding change: c.276T>A on transcript NM_000557.5 (MANE Select); coding-DNA position 276, T replaced by A.
Protein change: p.Asp92Glu; replaces aspartic acid 92 with glutamic acid.
Molecular consequence: missense variant.
Genome position (GRCh38, 1-based): chr20:35,437,653, A>T on the plus strand (T>A on the coding strand, the complement: GDF5 is on the minus strand). VCF-style: chr20-35437653-A-T. GRCh37 (hg19) VCF-style: chr20-34025433-A-T.
Other names: c.276T>A, p.Asp92Glu (NM_001319138.2); short protein forms D92E.
Identifiers: ClinVar variation 2047278 (VCV002047278.1), dbSNP rs140058823, ClinGen allele CA9832384.

ClinVar aggregate classification (germline): Uncertain significance (1 of 4 stars; one submission).

Allele frequency attached by ClinVar (database versions not stated): gnomAD exomes 0.00003; TOPMed 0.00004; gnomAD 0.00007; ExAC 0.00009; 1000 Genomes Project 30x 0.00016; 1000 Genomes Project 0.00020.
gnomAD v4.1: 59 of 1,613,870 alleles (0.0037%); highest among the groups gnomAD compares: Middle Eastern, 0.016%; no homozygotes.

Submission:

Labcorp Genetics (formerly Invitae), Labcorp
Classification: Uncertain significance. Last evaluated: 2022-04-05. Review status: criteria provided, single submitter. Criteria: Invitae Variant Classification Sherloc (09022015). Collection method: clinical testing. Allele origin: germline.
Comment: This sequence change replaces aspartic acid, which is acidic and polar, with glutamic acid, which is acidic and polar, at codon 92 of the GDF5 protein (p.Asp92Glu). This variant is present in population databases (rs140058823, gnomAD 0.06%). This variant has not been reported in the literature in individuals affected with GDF5-related conditions. Algorithms developed to predict the effect of missense changes on protein structure and function (SIFT, PolyPhen-2, Align-GVGD) all suggest that this variant is likely to be tolerated. In summary, the available evidence is currently insufficient to determine the role of this variant in disease. Therefore, it has been classified as a Variant of Uncertain Significance.